The following is an entry in ClinVar:

ClinVar aggregate classification (germline): Uncertain significance (1 of 4 stars; one submission).

Allele frequency attached by ClinVar (database versions not stated): gnomAD exomes below 0.00001.
gnomAD v4.1: 1 of 1,613,406 alleles (0.000062%); highest among the groups gnomAD compares: Non-Finnish European, 0.000085%; no homozygotes.

Submission:

Labcorp Genetics (formerly Invitae), Labcorp
Classification: Uncertain significance. Last evaluated: 2022-02-24. Review status: criteria provided, single submitter. Criteria: Invitae Variant Classification Sherloc (09022015). Collection method: clinical testing. Allele origin: germline.
Comment: Algorithms developed to predict the effect of missense changes on protein structure and function output the following: SIFT: "Tolerated"; PolyPhen-2: "Benign"; Align-GVGD: "Class C0". The threonine amino acid residue is found in multiple mammalian species, which suggests that this missense change does not adversely affect protein function. This variant has not been reported in the literature in individuals affected with PDE6C-related conditions. This variant is not present in population databases (gnomAD no frequency). This sequence change replaces serine, which is neutral and polar, with threonine, which is neutral and polar, at codon 814 of the PDE6C protein (p.Ser814Thr). In summary, the available evidence is currently insufficient to determine the role of this variant in disease. Therefore, it has been classified as a Variant of Uncertain Significance.

NM_006204.4(PDE6C):c.2440T>A (p.Ser814Thr)

Gene: PDE6C (phosphodiesterase 6C; plus strand). Cytogenetic location: 10q23.33.
Variant type: single nucleotide variant.
Coding change: c.2440T>A on transcript NM_006204.4 (MANE Select); coding-DNA position 2440, T replaced by A.
Protein change: p.Ser814Thr; replaces serine 814 with threonine.
Molecular consequence: missense variant.
Genome position (GRCh38, 1-based): chr10:93,663,100, T>A. VCF-style: chr10-93663100-T-A. GRCh37 (hg19) VCF-style: chr10-95422857-T-A.
Other names: short protein forms S814T.
Identifiers: ClinVar variation 1460503 (VCV001460503.8), dbSNP rs2058673868, ClinGen allele CA377629370.